The following is an entry in ClinVar:

ClinVar aggregate classification (germline): Pathogenic. Review status: criteria provided, single submitter (1 of 4 stars). 2 submissions from 2 submitters: Pathogenic (1). 1 of the submissions does not count toward it. Last evaluated 2025-03-17.

Submissions (2):

Labcorp Genetics (formerly Invitae), Labcorp
Classification: Pathogenic. Last evaluated: 2025-03-17. Review status: criteria provided, single submitter. Criteria: Invitae Variant Classification Sherloc (09022015). Collection method: clinical testing. Allele origin: germline.
Comment: This sequence change creates a premature translational stop signal (p.Thr55Profs*71) in the RS1 gene. It is expected to result in an absent or disrupted protein product. Loss-of-function variants in RS1 are known to be pathogenic (PMID: 9618178, 17172462). This variant is not present in population databases (gnomAD no frequency). This premature translational stop signal has been observed in individual(s) with retinoschisis (PMID: 10450864). ClinVar contains an entry for this variant (Variation ID: 98907). For these reasons, this variant has been classified as Pathogenic.

Retina International
No classification provided. Review status: no classification provided. Collection method: not provided. Allele origin: not provided. Not counted in ClinVar's aggregate classification.

Literature cited by the submitters: PubMed 9618178 (cited by Labcorp Genetics (formerly Invitae), Labcorp); PubMed 17172462 (cited by Labcorp Genetics (formerly Invitae), Labcorp); PubMed 10450864 (cited by Labcorp Genetics (formerly Invitae), Labcorp).

NM_000330.4(RS1):c.163del (p.Thr55fs)

Gene: RS1 (retinoschisin 1; minus strand). Cytogenetic location: Xp22.13.
Variant type: Deletion.
Coding change: c.163del on transcript NM_000330.4 (MANE Select); coding-DNA position 163, one base deleted (A; older notation c.163delA).
Protein change: p.Thr55fs; shifts the reading frame from threonine 55.
Molecular consequence: frameshift variant.
Genome position (GRCh38, 1-based): chrX:18,656,674, T deleted on the plus strand (A on the coding strand, the reverse complement: RS1 is on the minus strand). VCF-style (leftmost placement, unchanged base first): chrX-18656673-GT-G. GRCh37 (hg19) VCF-style: chrX-18674793-GT-G.
Other names: c.163delA (NM_000330.3); short protein forms T55fs.
Identifiers: ClinVar variation 98907 (VCV000098907.6), dbSNP rs62645886, ClinGen allele CA226604.